The following is an entry in ClinVar:

NM_020348.3(CNNM1):c.309T>C (p.Ala103=)

Gene: CNNM1 (cyclin and CBS domain divalent metal cation transport mediator 1; plus strand). Cytogenetic location: 10q24.2.
Variant type: single nucleotide variant.
Coding change: c.309T>C on transcript NM_020348.3 (MANE Select); coding-DNA position 309, T replaced by C.
Protein change: p.Ala103=; no amino-acid change (alanine 103 retained).
Molecular consequence: synonymous variant. On other transcripts: non-coding transcript variant (1).
Genome position (GRCh38, 1-based): chr10:99,329,696, T>C. VCF-style: chr10-99329696-T-C. GRCh37 (hg19) VCF-style: chr10-101089453-T-C.
Other names: c.309T>C, p.Ala103= (NM_001345887.2, NM_001345888.2, NM_001345889.2).
Identifiers: ClinVar variation 2640745 (VCV002640745.24), dbSNP rs2493965969, ClinGen allele CA471274024.

ClinVar aggregate classification (germline): Likely benign (1 of 4 stars; one submission).

Submission:

CeGaT Center for Human Genetics Tuebingen
Classification: Likely benign. Last evaluated: 2022-05-01. Review status: criteria provided, single submitter. Criteria: CeGaT Center For Human Genetics Tuebingen Variant Classification Criteria Version 2. Collection method: clinical testing. Allele origin: germline. Affected: yes. Observed: 1 variant allele.
Comment: CNNM1: PM2:Supporting, BP4, BP7